The following is an entry in ClinVar:

NM_000091.5(COL4A3):c.1714G>A (p.Gly572Arg)

Genes: COL4A3 (collagen type IV alpha 3 chain; plus strand), MFF-DT (MFF divergent transcript; minus strand). Cytogenetic location: 2q36.3.
Variant type: single nucleotide variant.
Coding change: c.1714G>A on transcript NM_000091.5 (MANE Select); coding-DNA position 1714, G replaced by A.
Protein change: p.Gly572Arg; replaces glycine 572 with arginine.
Molecular consequence: missense variant.
Genome position (GRCh38, 1-based): chr2:227,270,908, G>A. VCF-style: chr2-227270908-G-A. GRCh37 (hg19) VCF-style: chr2-228135624-G-A.
Other names: short protein forms G572R.
Identifiers: ClinVar variation 4817202 (VCV004817202.1).

ClinVar aggregate classification (germline): Likely pathogenic (1 of 4 stars; one submission).

Conditions:
Alport syndrome. Also called: Hemorrhagic familial nephritis; Hemorrhagic hereditary nephritis; Congenital hereditary hematuria. Identifiers: Orphanet 63, MedGen C1567741, MONDO:0018965.

Submission:

Natera, Inc.
Classification: Likely pathogenic for Alport syndrome. Last evaluated: 2024-10-24. Review status: criteria provided, single submitter. Criteria: Natera Variant Classification Schema (03/2026). Collection method: clinical testing. Allele origin: germline.
Comment: The c.1714G>A variant in COL4A3 is a missense variant predicted to cause substitution of glycine to arginine at amino acid 572. This variant is rare in the general population with a frequency below the threshold expected for the associated phenotype(s). This variant has been observed in one or more individuals affected with the associated recessive disease, as either homozygous or compound heterozygous with a second variant (PMID: 24033287). This variant is located in a functionally critical region of the protein. Computational prediction algorithms indicate this variant is likely to affect gene or protein function. Given the available evidence, this variant is classified as Likely Pathogenic.

Literature cited by the submitters: PubMed 24033287.